The following is an entry in ClinVar:

ClinVar aggregate classification (germline): Uncertain significance (1 of 4 stars; one submission).

Conditions:
ADCY3-related disorder. Also called: ADCY3-related condition.

gnomAD v4.1: 6 of 1,614,196 alleles (0.00037%); highest among the groups gnomAD compares: Non-Finnish European, 0.00051%; no homozygotes.

Submission:

PreventionGenetics, part of Exact Sciences
Classification: Uncertain significance for ADCY3-related condition. Last evaluated: 2026-03-10. Review status: criteria provided, single submitter. Criteria: ACMG Guidelines, 2015. Collection method: clinical testing. Allele origin: germline.
Comment: The ADCY3 c.3056A>T variant is predicted to result in the amino acid substitution p.Asp1019Val. To our knowledge, this variant has not been reported in the literature or in a large population database (gnomAD), indicating this variant is rare. At this time, the clinical significance of this variant is uncertain due to the absence of conclusive functional and genetic evidence.

NM_004036.5(ADCY3):c.3053A>T (p.Asp1018Val)

Genes: ADCY3 (adenylate cyclase 3; minus strand), CENPO (centromere protein O; plus strand). Cytogenetic location: 2p23.3.
Variant type: single nucleotide variant.
Coding change: c.3053A>T on transcript NM_004036.5 (MANE Select); coding-DNA position 3053, A replaced by T.
Protein change: p.Asp1018Val; replaces aspartic acid 1018 with valine.
Molecular consequence: missense variant. On other transcripts: 3 prime UTR variant (3), non-coding transcript variant (3).
Genome position (GRCh38, 1-based): chr2:24,821,591, T>A on the plus strand (A>T on the coding strand, the complement: ADCY3 is on the minus strand). VCF-style: chr2-24821591-T-A. GRCh37 (hg19) VCF-style: chr2-25044460-T-A.
Other names: c.3056A>T, p.Asp1019Val (NM_001320613.2); c.3119A>T, p.Asp1040Val (NM_001377128.1); c.2915A>T, p.Asp972Val (NM_001377129.1); c.2501A>T, p.Asp834Val (NM_001377130.1); c.2330A>T, p.Asp777Val (NM_001377131.1); c.3053A>T, p.Asp1018Val (NM_001377132.1); c.*2273T>A (NM_001199803.3, NM_001322101.2, NM_024322.4); short protein forms D1019V, D834V, D972V, D777V, D1040V, D1018V.
Identifiers: ClinVar variation 4988519 (VCV004988519.1).